The following is an entry in ClinVar:

ClinVar aggregate classification (germline): Likely benign. Review status: criteria provided, multiple submitters, no conflicts (2 of 4 stars). 3 submissions from 3 submitters: Likely benign (3). Last evaluated 2026-01-26.

Allele frequency attached by ClinVar (database versions not stated): ExAC 0.00100; ESP Exome Variant Server 0.00100; 1000 Genomes Project 0.00120; gnomAD exomes 0.00121 and 0.00149; gnomAD 0.00132 and 0.00133; TOPMed 0.00139; 1000 Genomes Project 30x 0.00141.
gnomAD v4.1: 2,343 of 1,614,174 alleles (0.15%); highest among the groups gnomAD compares: Admixed American, 0.21%; 2 homozygotes.

Submissions (3):

Labcorp Genetics (formerly Invitae), Labcorp
Classification: Likely benign. Last evaluated: 2026-01-26. Review status: criteria provided, single submitter. Criteria: Invitae Variant Classification Sherloc (09022015). Collection method: clinical testing. Allele origin: germline.

CeGaT Center for Human Genetics Tuebingen
Classification: Likely benign. Last evaluated: 2025-02-01. Review status: criteria provided, single submitter. Criteria: CeGaT Center For Human Genetics Tuebingen Variant Classification Criteria Version 2. Collection method: clinical testing. Allele origin: germline. Affected: yes. Observed: 2 variant alleles.
Comment: PKD1L1: BP4, BP7

Blueprint Genetics
Classification: Likely benign. Last evaluated: 2024-11-26. Review status: criteria provided, single submitter. Criteria: ACMG Guidelines, 2015. Collection method: clinical testing. Allele origin: germline.

NM_138295.5(PKD1L1):c.5865G>A (p.Pro1955=)

Gene: PKD1L1 (polycystin 1 like 1, transient receptor potential channel interacting; minus strand). Cytogenetic location: 7p12.3.
Variant type: single nucleotide variant.
Coding change: c.5865G>A on transcript NM_138295.5 (MANE Select); coding-DNA position 5865, G replaced by A.
Protein change: p.Pro1955=; no amino-acid change (proline 1955 retained).
Molecular consequence: synonymous variant.
Genome position (GRCh38, 1-based): chr7:47,836,999, C>T on the plus strand (G>A on the coding strand, the complement: PKD1L1 is on the minus strand). VCF-style: chr7-47836999-C-T. GRCh37 (hg19) VCF-style: chr7-47876597-C-T.
Identifiers: ClinVar variation 710591 (VCV000710591.23), dbSNP rs112879160, ClinGen allele CA4252698.